The following is an entry in ClinVar:

ClinVar aggregate classification (germline): Benign/Likely benign. Review status: criteria provided, multiple submitters, no conflicts (2 of 4 stars). 7 submissions from 7 submitters: Benign (1); Likely benign (5). 1 of the submissions does not count toward it. Last evaluated 2026-01-18.

Conditions:
Epidermolysis bullosa simplex, Ogna type (EBS5A). Also called: Pidermolysis bullosa simplex 5A, Ogna type; EPIDERMOLYSIS BULLOSA SIMPLEX 5A, OGNA TYPE. Identifiers: Orphanet 79401, MedGen C0432317, MONDO:0007555, OMIM 131950.
Epidermolysis bullosa simplex with nail dystrophy (EBS5D). Identifiers: MedGen C4225309, MONDO:0014661, OMIM 616487.
Autosomal recessive limb-girdle muscular dystrophy type 2Q (LGMDR17). Also called: MUSCULAR DYSTROPHY, LIMB-GIRDLE, AUTOSOMAL RECESSIVE 17. Identifiers: Orphanet 254361, MedGen C3150989, MONDO:0013390, OMIM 613723.
Epidermolysis bullosa simplex 5C, with pyloric atresia (EBS5C). Also called: Epidermolysis bullosa simplex with pyloric atresia; PLEC1-Related Epidermolysis Bullosa with Pyloric Atresia; PLEC-Related Epidermolysis Bullosa with Pyloric Atresia. Identifiers: Orphanet 158684, MedGen C2677349, MONDO:0012807, OMIM 612138.
Epidermolysis bullosa simplex 5B, with muscular dystrophy (EBS5B). Also called: Epidermolysis bullosa simplex with muscular dystrophy; EPIDERMOLYSIS BULLOSA SIMPLEX AND LIMB-GIRDLE MUSCULAR DYSTROPHY. Identifiers: Orphanet 257, MedGen C2931072, MONDO:0009181, OMIM 226670.
PLEC-related disorder. Also called: PLEC-related disorders; PLEC-related condition.

Allele frequency attached by ClinVar (database versions not stated): ESP Exome Variant Server 0.00120; gnomAD 0.00152 and 0.00160; 1000 Genomes Project 30x 0.00172; TOPMed 0.00176; 1000 Genomes Project 0.00180.
gnomAD v4.1: 492 of 1,613,964 alleles (0.03%); highest among the groups gnomAD compares: African/African-American, 0.52%; 3 homozygotes.

Submissions (7):

Labcorp Genetics (formerly Invitae), Labcorp
Classification: Benign for Autosomal recessive limb-girdle muscular dystrophy type 2Q; Epidermolysis bullosa simplex, Ogna type; Epidermolysis bullosa simplex with nail dystrophy; Epidermolysis bullosa simplex 5C, with pyloric atresia; Epidermolysis bullosa simplex 5B, with muscular dystrophy. Last evaluated: 2026-01-18. Review status: criteria provided, single submitter. Criteria: Invitae Variant Classification Sherloc (09022015). Collection method: clinical testing. Allele origin: germline.

Blueprint Genetics
Classification: Likely benign. Last evaluated: 2024-10-17. Review status: criteria provided, single submitter. Criteria: ACMG Guidelines, 2015. Collection method: clinical testing. Allele origin: germline.

CeGaT Center for Human Genetics Tuebingen
Classification: Likely benign. Last evaluated: 2023-04-01. Review status: criteria provided, single submitter. Criteria: CeGaT Center For Human Genetics Tuebingen Variant Classification Criteria Version 2. Collection method: clinical testing. Allele origin: germline. Affected: yes. Observed: 3 variant alleles.
Comment: PLEC: BP4, BS2

GeneDx
Classification: Likely benign. Last evaluated: 2020-10-29. Review status: criteria provided, single submitter. Criteria: GeneDx Variant Classification Process June 2021. Collection method: clinical testing. Allele origin: germline. Affected: yes.

Eurofins Ntd Llc (ga)
Classification: Likely benign. Last evaluated: 2015-07-17. Review status: criteria provided, single submitter. Criteria: EGL Classification Definitions 2015. Collection method: clinical testing. Allele origin: germline. Observed: 1 variant allele, 1 heterozygote.

Breakthrough Genomics
Classification: Likely benign. Review status: criteria provided, single submitter. Criteria: ACMG Guidelines, 2015. Collection method: not provided. Allele origin: germline. Inheritance: Autosomal recessive inheritance. Affected: yes.

PreventionGenetics, part of Exact Sciences
Classification: Likely benign for PLEC-related condition. Last evaluated: 2019-06-17. Review status: no assertion criteria provided. Collection method: clinical testing. Allele origin: germline. Not counted in ClinVar's aggregate classification.
Comment: This variant is classified as likely benign based on ACMG/AMP sequence variant interpretation guidelines (Richards et al. 2015 PMID: 25741868, with internal and published modifications).

NM_201384.3(PLEC):c.10497C>T (p.Asn3499=)

Gene: PLEC (plectin; minus strand). Cytogenetic location: 8q24.3.
Variant type: single nucleotide variant.
Coding change: c.10497C>T on transcript NM_201384.3 (MANE Select); coding-DNA position 10497, C replaced by T.
Protein change: p.Asn3499=; no amino-acid change (asparagine 3499 retained).
Molecular consequence: synonymous variant.
Genome position (GRCh38, 1-based): chr8:143,919,324, G>A on the plus strand (C>T on the coding strand, the complement: PLEC is on the minus strand). VCF-style: chr8-143919324-G-A. GRCh37 (hg19) VCF-style: chr8-144993492-G-A.
Other names: c.10578C>T, p.Asn3526= (NM_000445.5); c.10455C>T, p.Asn3485= (NM_201378.4); c.10431C>T, p.Asn3477= (NM_201379.3); c.10908C>T, p.Asn3636= (NM_201380.4); c.10401C>T, p.Asn3467= (NM_201381.3); c.10497C>T, p.Asn3499= (NM_201382.4); c.10509C>T, p.Asn3503= (NM_201383.3).
Identifiers: ClinVar variation 282098 (VCV000282098.57), dbSNP rs113113366, ClinGen allele CA4924630.